The following is an entry in ClinVar:

ClinVar aggregate classification (germline): Uncertain significance. Review status: criteria provided, multiple submitters, no conflicts (2 of 4 stars). 2 submissions from 2 submitters: Uncertain significance (2). Last evaluated 2024-06-23.

Conditions:
Primary dilated cardiomyopathy (DCM). Also called: Dilated Cardiomyopathy. Identifiers: Orphanet 217604, MedGen C0007193, MeSH D002311, MONDO:0005021, HP:0001644. Inheritance: Various modes of inheritance.
Hypertrophic cardiomyopathy. Also called: HYPERTROPHIC MYOCARDIOPATHY. Identifiers: Orphanet 217569, MedGen C0007194, MeSH D002312, MONDO:0005045, HP:0001639.

Allele frequency attached by ClinVar (database versions not stated): ExAC 0.00001; gnomAD exomes 0.00001; TOPMed 0.00004; gnomAD 0.00005 and 0.00006; ESP Exome Variant Server 0.00008.

Submissions (2):

Ambry Genetics
Classification: Uncertain significance. Last evaluated: 2024-06-23. Review status: criteria provided, single submitter. Criteria: Ambry Variant Classification Scheme 2023. Collection method: clinical testing. Allele origin: germline.
Comment: The p.D310N variant (also known as c.928G>A), located in coding exon 8 of the PDLIM3 gene, results from a G to A substitution at nucleotide position 928. The aspartic acid at codon 310 is replaced by asparagine, an amino acid with highly similar properties. This amino acid position is conserved. In addition, this alteration is predicted to be tolerated by in silico analysis. Since supporting evidence is limited at this time, the clinical significance of this alteration remains unclear.

Labcorp Genetics (formerly Invitae), Labcorp
Classification: Uncertain significance for Hypertrophic cardiomyopathy; Primary dilated cardiomyopathy. Last evaluated: 2023-11-12. Review status: criteria provided, single submitter. Criteria: Invitae Variant Classification Sherloc (09022015). Collection method: clinical testing. Allele origin: germline.
Comment: This sequence change replaces aspartic acid, which is acidic and polar, with asparagine, which is neutral and polar, at codon 310 of the PDLIM3 protein (p.Asp310Asn). This variant is present in population databases (rs146092339, gnomAD 0.02%). This variant has not been reported in the literature in individuals affected with PDLIM3-related conditions. ClinVar contains an entry for this variant (Variation ID: 1036668). Advanced modeling of protein sequence and biophysical properties (such as structural, functional, and spatial information, amino acid conservation, physicochemical variation, residue mobility, and thermodynamic stability) performed at Invitae indicates that this missense variant is not expected to disrupt PDLIM3 protein function with a negative predictive value of 80%. In summary, the available evidence is currently insufficient to determine the role of this variant in disease. Therefore, it has been classified as a Variant of Uncertain Significance.

NM_014476.6(PDLIM3):c.928G>A (p.Asp310Asn)

Gene: PDLIM3 (PDZ and LIM domain 3; minus strand). Cytogenetic location: 4q35.1.
Variant type: single nucleotide variant.
Coding change: c.928G>A on transcript NM_014476.6 (MANE Select); coding-DNA position 928, G replaced by A.
Protein change: p.Asp310Asn; replaces aspartic acid 310 with asparagine.
Molecular consequence: missense variant. On other transcripts: non-coding transcript variant (1).
Genome position (GRCh38, 1-based): chr4:185,502,461, C>T on the plus strand (G>A on the coding strand, the complement: PDLIM3 is on the minus strand). VCF-style: chr4-185502461-C-T. GRCh37 (hg19) VCF-style: chr4-186423615-C-T.
Other names: c.784G>A, p.Asp262Asn (NM_001114107.5); c.664G>A, p.Asp222Asn (NM_001257962.2); c.427G>A, p.Asp143Asn (NM_001257963.2); short protein forms D222N, D310N, D143N, D262N.
Identifiers: ClinVar variation 1036668 (VCV001036668.13), dbSNP rs146092339, ClinGen allele CA3159633.